The following is an entry in ClinVar:

ClinVar aggregate classification (germline): Pathogenic (1 of 4 stars; one submission).

Conditions:
DDX41-related hematologic malignancy predisposition syndrome. Also called: DDX41-Associated Familial Myelodysplastic Syndrome and Acute Myeloid Leukemia; Myeloproliferative/lymphoproliferative neoplasms, familial (multiple types), susceptibility to. Identifiers: Orphanet 488647, MedGen C4225174, MONDO:0014809, OMIM 616871.

gnomAD v4.1: 2 of 1,614,042 alleles (0.00012%); highest among the groups gnomAD compares: African/African-American, 0.0027%; no homozygotes.

Submission:

ARUP Laboratories, Molecular Genetics and Genomics, ARUP Laboratories
Classification: Pathogenic for DDX41-related hematologic malignancy predisposition syndrome. Last evaluated: 2024-01-08. Review status: criteria provided, single submitter. Criteria: ARUP Molecular Germline Variant Investigation Process 2024. Collection method: clinical testing. Allele origin: germline.
Comment: The DDX41 c.434+1G>T variant (rs1170971274) is reported in the literature in an individual affected with acute myeloid leukemia (Duployez 2022). This variant is absent from the Genome Aggregation Database (v2.1.1), indicating it is not a common polymorphism. This variant disrupts the canonical splice donor site of intron 5, which is likely to negatively impact gene function. Based on available information, this variant is considered to be pathogenic. References: Duployez N et al. Prognostic impact of DDX41 germline mutations in intensively treated acute myeloid leukemia patients: an ALFA-FILO study. Blood. 2022 Aug 18. PMID: 35443031.

NM_016222.4(DDX41):c.434+1G>T

Gene: DDX41 (DEAD-box helicase 41; minus strand). Cytogenetic location: 5q35.3.
Variant type: single nucleotide variant.
Coding change: c.434+1G>T on transcript NM_016222.4 (MANE Select); the canonical splice donor site of the intron after coding-DNA position 434, G replaced by T.
Molecular consequence: splice donor variant.
Genome position (GRCh38, 1-based): chr5:177,515,928, C>A on the plus strand (G>T on the coding strand, the complement: DDX41 is on the minus strand). VCF-style: chr5-177515928-C-A. GRCh37 (hg19) VCF-style: chr5-176942929-C-A.
Other names: c.56+1G>T (NM_001321830.2, NM_001321732.2).
Identifiers: ClinVar variation 3766931 (VCV003766931.1).